The following is an entry in ClinVar:

ClinVar aggregate classification (germline): Uncertain significance (1 of 4 stars; one submission).

Conditions:
Inborn genetic diseases. Identifiers: MedGen C0950123, MeSH D030342.

Submission:

Ambry Genetics
Classification: Uncertain significance for Inborn genetic diseases. Last evaluated: 2026-06-17. Review status: criteria provided, single submitter. Criteria: Ambry Variant Classification Scheme 2023. Collection method: clinical testing. Allele origin: germline.
Comment: The c.3250C>T (p.H1084Y) alteration is located in exon 17 (coding exon 17) of the INSR gene. This alteration results from a C to T substitution at nucleotide position 3250, causing the histidine (H) at amino acid position 1084 to be replaced by a tyrosine (Y). Based on data from gnomAD, the T allele has an overall frequency of <0.001% (1/249892) total alleles studied. The highest observed frequency was 0.003% (1/30612) of South Asian alleles. Based on insufficient or conflicting evidence, the clinical significance of this alteration remains unclear.

NM_000208.4(INSR):c.3250C>T (p.His1084Tyr)

Gene: INSR (insulin receptor; minus strand). Cytogenetic location: 19p13.2.
Variant type: single nucleotide variant.
Coding change: c.3250C>T on transcript NM_000208.4 (MANE Select); coding-DNA position 3250, C replaced by T.
Protein change: p.His1084Tyr; replaces histidine 1084 with tyrosine.
Molecular consequence: missense variant.
Genome position (GRCh38, 1-based): chr19:7,125,291, G>A on the plus strand (C>T on the coding strand, the complement: INSR is on the minus strand). VCF-style: chr19-7125291-G-A. GRCh37 (hg19) VCF-style: chr19-7125302-G-A.
Other names: c.3214C>T, p.His1072Tyr (NM_001079817.3); short protein forms H1072Y, H1084Y.
Identifiers: ClinVar variation 5022811 (VCV005022811.1).